The following is an entry in ClinVar:

ClinVar aggregate classification (germline): Uncertain significance (1 of 4 stars; one submission).

Conditions:
Inborn genetic diseases. Identifiers: MedGen C0950123, MeSH D030342.

Allele frequency attached by ClinVar (database versions not stated): TOPMed below 0.00001; gnomAD 0.00001.

Submission:

Ambry Genetics
Classification: Uncertain significance for Inborn genetic diseases. Last evaluated: 2023-12-01. Review status: criteria provided, single submitter. Criteria: Ambry Variant Classification Scheme 2023. Collection method: clinical testing. Allele origin: germline.
Comment: The p.E212G variant (also known as c.635A>G), located in coding exon 6 of the BUB1B gene, results from an A to G substitution at nucleotide position 635. The glutamic acid at codon 212 is replaced by glycine, an amino acid with similar properties. This amino acid position is conserved. In addition, this alteration is predicted to be tolerated by in silico analysis. Since supporting evidence is limited at this time, the clinical significance of this alteration remains unclear.

NM_001211.6(BUB1B):c.635A>G (p.Glu212Gly)

Gene: BUB1B (BUB1 mitotic checkpoint serine/threonine kinase B; plus strand). Cytogenetic location: 15q15.1.
Variant type: single nucleotide variant.
Coding change: c.635A>G on transcript NM_001211.6 (MANE Select); coding-DNA position 635, A replaced by G.
Protein change: p.Glu212Gly; replaces glutamic acid 212 with glycine.
Molecular consequence: missense variant.
Genome position (GRCh38, 1-based): chr15:40,183,767, A>G. VCF-style: chr15-40183767-A-G. GRCh37 (hg19) VCF-style: chr15-40475968-A-G.
Other names: short protein forms E212G.
Identifiers: ClinVar variation 3221436 (VCV003221436.1), dbSNP rs1414790322, ClinGen allele CA391683276.